The following is an entry in ClinVar:

ClinVar aggregate classification (germline): Benign. Review status: criteria provided, multiple submitters, no conflicts (2 of 4 stars). 3 submissions from 3 submitters: Benign (3). Last evaluated 2024-01-24.

Allele frequency attached by ClinVar (database versions not stated): TOPMed 0.31995; 1000 Genomes Project 30x 0.35634; gnomAD exomes 0.38364; gnomAD 0.32783 and 0.32057; 1000 Genomes Project 0.36222.
gnomAD v4.1: 222,614 of 602,490 alleles (37%); highest among the groups gnomAD compares: East Asian, 50%; 42,817 homozygotes.

Submissions (3):

Unidad de Genómica Garrahan, Hospital de Pediatría Garrahan
Classification: Benign. Last evaluated: 2024-01-24. Review status: criteria provided, single submitter. Criteria: ACMG Guidelines, 2015. Collection method: clinical testing. Allele origin: germline. Affected: no. Observed: 59 variant alleles.
Comment: This variant is classified as Benign based on local population frequency. This variant was detected in 62% of patients studied by a panel of primary immunodeficiencies. Number of patients: 59. Only high quality variants are reported.

GeneDx
Classification: Benign. Last evaluated: 2018-09-05. Review status: criteria provided, single submitter. Criteria: GeneDx Variant Classification Process June 2021. Collection method: clinical testing. Allele origin: germline. Affected: yes.

Breakthrough Genomics
Classification: Benign. Review status: criteria provided, single submitter. Criteria: ACMG Guidelines, 2015. Collection method: not provided. Allele origin: germline. Inheritance: Autosomal dominant inheritance. Affected: yes.

NM_001141945.3(ACTA2):c.-237G>A

Genes: ACTA2 (actin alpha 2, smooth muscle; minus strand), FAS (Fas cell surface death receptor; plus strand), LOC130004294 (ATAC-STARR-seq lymphoblastoid active region 3732; plus strand). Cytogenetic location: 10q23.31.
Variant type: single nucleotide variant.
Coding change: c.-237G>A on transcript NM_001141945.3; 237 bases upstream of the start codon, G replaced by A.
Molecular consequence: 5 prime UTR variant. On other transcripts: synonymous variant (1), intron variant (4).
Genome position (GRCh38, 1-based): chr10:88,991,152, C>T on the plus strand (G>A on the coding strand, the complement: ACTA2 is on the minus strand). VCF-style: chr10-88991152-C-T. GRCh37 (hg19) VCF-style: chr10-90750909-C-T.
Other names: c.15C>T, p.Asp5= (NM_001410956.1); c.-154G>A (NM_001320855.2, NM_001406467.1); c.-312G>A (NM_001406462.1); c.-395G>A (NM_001406463.1); c.-237G>A (NM_001406468.1, NM_001406471.1); c.30+246C>T (NM_000043.6, NM_152872.4, NM_001320619.2 and 1 more transcripts).
Identifiers: ClinVar variation 1284170 (VCV001284170.6), dbSNP rs12775501, ClinGen allele CA13226453.